The following is an entry in ClinVar:

NM_003748.4(ALDH4A1):c.156+6G>A

Gene: ALDH4A1 (aldehyde dehydrogenase 4 family member A1; minus strand). Cytogenetic location: 1p36.13.
Variant type: single nucleotide variant.
Coding change: c.156+6G>A on transcript NM_003748.4 (MANE Select); 6 bases into the intron after coding-DNA position 156, G replaced by A.
Molecular consequence: intron variant.
Genome position (GRCh38, 1-based): chr1:18,890,006, C>T on the plus strand (G>A on the coding strand, the complement: ALDH4A1 is on the minus strand). VCF-style: chr1-18890006-C-T. GRCh37 (hg19) VCF-style: chr1-19216500-C-T.
Other names: c.156+6G>A (NM_001319218.2, NM_170726.3); c.-25+6G>A (NM_001161504.2).
Identifiers: ClinVar variation 2099481 (VCV002099481.4), dbSNP rs1557623949, ClinGen allele CA913221677.
Genomic context (GRCh38, chr1:18,890,006, plus strand): 5'-GGGCTGCTGGGGATGGCCTCTGCTCCATGCCCTGCACCTCTCGGGTGCCTCCCACCCTCC[C>T]ATTACCTTTTGCAGGGCATCTCGCTCAGGGCTGCCCTGCGTGAAGGCTAAGACGGGCTCG-3'

ClinVar aggregate classification (germline): Uncertain significance (1 of 4 stars; one submission).

Conditions:
Hyperprolinemia type 2 (HYRPRO2). Also called: Deficiency of pyrroline-5-carboxylate reductase; 1-PYRROLINE-5-CARBOXYLATE DEHYDROGENASE DEFICIENCY; Delta-1-pyrroline-5-carboxylate dehydrogenase deficiency. Identifiers: Orphanet 79101, MedGen C2931835, MONDO:0009401, OMIM 239510.

Allele frequency attached by ClinVar (database versions not stated): gnomAD 0.00001.
gnomAD v4.1: 1 of 1,602,342 alleles (0.000062%); highest among the groups gnomAD compares: Admixed American, 0.0017%; no homozygotes.

Submission:

Labcorp Genetics (formerly Invitae), Labcorp
Classification: Uncertain significance for Hyperprolinemia type 2. Last evaluated: 2023-03-23. Review status: criteria provided, single submitter. Criteria: Invitae Variant Classification Sherloc (09022015). Collection method: clinical testing. Allele origin: germline.
Comment: This sequence change falls in intron 2 of the ALDH4A1 gene. It does not directly change the encoded amino acid sequence of the ALDH4A1 protein. It affects a nucleotide within the consensus splice site. This variant is not present in population databases (gnomAD no frequency). This variant has not been reported in the literature in individuals affected with ALDH4A1-related conditions. ClinVar contains an entry for this variant (Variation ID: 2099481). Variants that disrupt the consensus splice site are a relatively common cause of aberrant splicing (PMID: 17576681, 9536098). Algorithms developed to predict the effect of sequence changes on RNA splicing suggest that this variant is not likely to affect RNA splicing. In summary, the available evidence is currently insufficient to determine the role of this variant in disease. Therefore, it has been classified as a Variant of Uncertain Significance.

Literature cited by the submitters: PubMed 17576681; PubMed 9536098.